The following is an entry in ClinVar:

NM_144997.7(FLCN):c.780-5T>A

Gene: FLCN (folliculin; minus strand). Cytogenetic location: 17p11.2.
Variant type: single nucleotide variant.
Coding change: c.780-5T>A on transcript NM_144997.7 (MANE Select); 5 bases into the intron before coding-DNA position 780, T replaced by A.
Molecular consequence: intron variant.
Genome position (GRCh38, 1-based): chr17:17,221,633, A>T on the plus strand (T>A on the coding strand, the complement: FLCN is on the minus strand). VCF-style: chr17-17221633-A-T. GRCh37 (hg19) VCF-style: chr17-17124947-A-T.
Other names: c.780-5T>A (NM_144997.5, NM_001353231.2, NM_001353230.2 and 1 more transcripts); c.834-5T>A (NM_001353229.2).
Identifiers: ClinVar variation 1397250 (VCV001397250.11), dbSNP rs1327357566, ClinGen allele CA625015155.

ClinVar aggregate classification (germline): Conflicting classifications of pathogenicity. Review status: criteria provided, conflicting classifications (1 of 4 stars). 3 submissions from 3 submitters: Uncertain significance (2); Likely benign (1). Last evaluated 2025-06-18.

Conditions:
Hereditary cancer-predisposing syndrome. Also called: Tumor predisposition; Hereditary neoplastic syndrome; Neoplastic Syndromes, Hereditary; Hereditary Cancer Syndrome. Identifiers: Orphanet 140162, MedGen C0027672, MeSH D009386, MONDO:0015356.
Birt-Hogg-Dube syndrome. Also called: Birt Hogg Dubé syndrome. Identifiers: Orphanet 122, MedGen C0346010, MONDO:0800444.

Allele frequency attached by ClinVar (database versions not stated): gnomAD exomes below 0.00001.

Submissions (3):

Ambry Genetics
Classification: Uncertain significance for Hereditary cancer-predisposing syndrome. Last evaluated: 2025-06-18. Review status: criteria provided, single submitter. Criteria: Ambry Variant Classification Scheme 2023. Collection method: clinical testing. Allele origin: germline.
Comment: The c.780-5T>A intronic variant results from a T to A substitution 5 nucleotides upstream from coding exon 5 in the FLCN gene. This nucleotide position is not well conserved in available vertebrate species. In silico splice site analysis predicts that this alteration will not have any significant effect on splicing. Based on the available evidence, the clinical significance of this variant remains unclear.

Blueprint Genetics
Classification: Uncertain significance. Last evaluated: 2024-08-19. Review status: criteria provided, single submitter. Criteria: ACMG Guidelines, 2015. Collection method: clinical testing. Allele origin: germline.

Labcorp Genetics (formerly Invitae), Labcorp
Classification: Likely benign for Birt-Hogg-Dube syndrome. Last evaluated: 2022-08-09. Review status: criteria provided, single submitter. Criteria: Invitae Variant Classification Sherloc (09022015). Collection method: clinical testing. Allele origin: germline.